The following is an entry in ClinVar:

NM_001854.4(COL11A1):c.3816+1G>C

Gene: COL11A1 (collagen type XI alpha 1 chain; minus strand). Cytogenetic location: 1p21.1.
Variant type: single nucleotide variant.
Coding change: c.3816+1G>C on transcript NM_001854.4 (MANE Select); the canonical splice donor site of the intron after coding-DNA position 3816, G replaced by C.
Molecular consequence: splice donor variant.
Genome position (GRCh38, 1-based): chr1:102,915,630, C>G on the plus strand (G>C on the coding strand, the complement: COL11A1 is on the minus strand). VCF-style: chr1-102915630-C-G. GRCh37 (hg19) VCF-style: chr1-103381186-C-G.
Other names: c.3699+1G>C (NM_001190709.2); c.3852+1G>C (NM_080629.3); c.3468+1G>C (NM_080630.4).
Identifiers: ClinVar variation 976188 (VCV000976188.12), dbSNP rs398122828, ClinGen allele CA341162070.

ClinVar aggregate classification (germline): Pathogenic. Review status: criteria provided, multiple submitters, no conflicts (2 of 4 stars). 6 submissions from 6 submitters: Pathogenic (4). 2 of the submissions do not count toward it. Last evaluated 2025-12-22.

Conditions:
Marshall syndrome (MRSHS). Identifiers: Orphanet 560, MedGen C0265235, MONDO:0007949, OMIM 154780.

Submissions (6):

Labcorp Genetics (formerly Invitae), Labcorp
Classification: Pathogenic. Last evaluated: 2025-12-22. Review status: criteria provided, single submitter. Criteria: Invitae Variant Classification Sherloc (09022015). Collection method: clinical testing. Allele origin: germline.
Comment: This sequence change affects a donor splice site in intron 50 of the COL11A1 gene. RNA analysis indicates that disruption of this splice site induces altered splicing and likely results in a shortened protein product. This variant is not present in population databases (gnomAD no frequency). Disruption of this splice site has been observed in individual(s) with autosomal dominant Marshall or Stickler syndrome (PMID: 9529347, 19449424, 25240749). In at least one individual the variant was observed to be de novo. It has also been observed to segregate with disease in related individuals. ClinVar contains an entry for this variant (Variation ID: 976188). Studies have shown that disruption of this splice site results in skipping of exon 51, but is expected to preserve the integrity of the reading-frame (PMID: 9529347). For these reasons, this variant has been classified as Pathogenic.

Dasa
Classification: Pathogenic. Last evaluated: 2025-11-06. Review status: criteria provided, single submitter. Criteria: DASA Assertion Criteria. Collection method: clinical testing. Allele origin: germline.
Comment: NM_001854.4(COL11A1):c.3816+1G>C introduces a premature termination codon predicted to result in loss of normal protein function. Loss-of-function is an established mechanism of disease for this gene. This variant results in the same amino acid change as a previously established pathogenic variant. This variant has been reported in individuals with related phenotype (PMID: 10486316). The variant is present at low frequency in population datasets. Based on the available data, this variant is classified as pathogenic.

GeneDx
Classification: Pathogenic. Last evaluated: 2023-02-14. Review status: criteria provided, single submitter. Criteria: GeneDx Variant Classification Process June 2021. Collection method: clinical testing. Allele origin: germline. Affected: yes.
Comment: Identified in multiple unrelated patients with Marshall syndrome in the published literature (Annunen et al., 1999; Khalifa et al., 2014); Damages or destroys the splice donor site in intron 50, and is expected to cause abnormal gene splicing; if the splice outcome is exon skip, the loss of the encoded residues in the triple helical region is expected to disrupt normal protein folding and function (Stenson et al., 2014; Acke et al., 2014); Not observed at significant frequency in large population cohorts (gnomAD); Also known as IVS50+1G>C; This variant is associated with the following publications: (PMID: 25525159, 25073711, 10486316, 25240749)

Institute of Human Genetics, University of Leipzig Medical Center
Classification: Pathogenic for Marshall syndrome. Last evaluated: 2018-03-19. Review status: criteria provided, single submitter. Criteria: ACMG Guidelines, 2015. Collection method: clinical testing. Allele origin: germline. Affected: yes. Observed: 1 variant allele.

Genome Diagnostics Laboratory, Amsterdam University Medical Center
Classification: Pathogenic. Review status: no assertion criteria provided. Collection method: clinical testing. Allele origin: germline. Affected: yes. Study: VKGL Data-share Consensus. Not counted in ClinVar's aggregate classification.

Joint Genome Diagnostic Labs from Nijmegen and Maastricht, Radboudumc and MUMC+
Classification: Pathogenic. Review status: no assertion criteria provided. Collection method: clinical testing. Allele origin: germline. Affected: yes. Study: VKGL Data-share Consensus. Not counted in ClinVar's aggregate classification.

Literature cited by the submitters: PubMed 9529347 (cited by Labcorp Genetics (formerly Invitae), Labcorp); PubMed 19449424 (cited by Labcorp Genetics (formerly Invitae), Labcorp); PubMed 25240749 (cited by Labcorp Genetics (formerly Invitae), Labcorp); PubMed 10486316 (cited by Dasa).